The following is an entry in ClinVar:

NM_000260.4(MYO7A):c.1189G>A (p.Ala397Thr)

Gene: MYO7A (myosin VIIA; plus strand). Cytogenetic location: 11q13.5.
Variant type: single nucleotide variant.
Coding change: c.1189G>A on transcript NM_000260.4 (MANE Select); coding-DNA position 1189, G replaced by A.
Protein change: p.Ala397Thr; replaces alanine 397 with threonine.
Molecular consequence: missense variant.
Genome position (GRCh38, 1-based): chr11:77,160,271, G>A. VCF-style: chr11-77160271-G-A. GRCh37 (hg19) VCF-style: chr11-76871317-G-A.
Other names: c.1189G>A, p.Ala397Thr (NM_001127180.2); c.1156G>A, p.Ala386Thr (NM_001369365.1); short protein forms A397T, A386T.
Identifiers: ClinVar variation 554214 (VCV000554214.14), dbSNP rs1297886521, ClinGen allele CA381934653.
Genomic context (GRCh38, chr11:77,160,271, plus strand): 5'-ACCCGCGGGGAGACGGTGTCCACCCCACTGAGCAGGGAACAGGCACTGGACGTGCGCGAC[G>A]CCTTCGTAAAGGTGGGCTGGAGGGAAGGGGCCGCTTGCTCGCCCTACCCCTTGGGAAGTT-3'
Protein context (NP_000251.3, residues 387-407): SREQALDVRD[Ala397Thr]FVKGIYGRLF

ClinVar aggregate classification (germline): Pathogenic/Likely pathogenic. Review status: criteria provided, multiple submitters, no conflicts (2 of 4 stars). 7 submissions from 7 submitters: Pathogenic (4); Likely pathogenic (2). 1 of the submissions does not count toward it. Last evaluated 2025-12-12.

Conditions:
MYO7A-related disorder. Also called: MYO7A-related disorders.
Autosomal recessive nonsyndromic hearing loss 2. Also called: NEUROSENSORY NONSYNDROMIC RECESSIVE DEAFNESS 2; DEAFNESS, AUTOSOMAL RECESSIVE 2. Identifiers: Orphanet 90636, MedGen C1838701, MONDO:0010807, OMIM 600060.
Usher syndrome type 1 (USH1). Also called: RETINITIS PIGMENTOSA AND CONGENITAL DEAFNESS. Identifiers: Orphanet 231169, Orphanet 886, MedGen C1568247, MONDO:0010168, OMIM 276900.
Autosomal dominant nonsyndromic hearing loss 11. Identifiers: Orphanet 90635, MedGen C1832475, MONDO:0011032, OMIM 601317.
Usher syndrome type 1B (USH1B). Also called: Usher syndrome type IB. Identifiers: MedGen C1848638, MONDO:0700087.

Allele frequency attached by ClinVar (database versions not stated): TOPMed below 0.00001; gnomAD exomes 0.00001.
gnomAD v4.1: 11 of 1,564,278 alleles (0.0007%); highest among the groups gnomAD compares: Admixed American, 0.0019%; no homozygotes.

Submissions (7):

Natera, Inc.
Classification: Pathogenic for Usher syndrome type 1B. Last evaluated: 2025-12-12. Review status: criteria provided, single submitter. Criteria: Natera Variant Classification Schema (03/2026). Collection method: clinical testing. Allele origin: germline.
Comment: The c.1189G>A variant in MYO7A is a missense variant predicted to cause substitution of alanine to threonine at amino acid 397. This variant is rare in the general population with a frequency below the threshold expected for the associated phenotype(s). This variant has been observed in one or more individuals affected with the associated recessive disease, as either homozygous or compound heterozygous with a second variant (PMID: 32531858, 33089500, 28944237). Additionally, this variant has been observed to segregate in affected family members (PMID: 33089500). A different variant at the same position has been determined to be Pathogenic or Likely Pathogenic. Computational prediction algorithms indicate this variant is likely to affect gene or protein function. Given the available evidence, this variant is classified as Pathogenic.

Fulgent Genetics
Classification: Likely pathogenic for Usher syndrome type 1; Autosomal recessive nonsyndromic hearing loss 2; Autosomal dominant nonsyndromic hearing loss 11. Last evaluated: 2024-03-06. Review status: criteria provided, single submitter. Criteria: ACMG Guidelines, 2015. Collection method: clinical testing. Allele origin: germline.

Labcorp Genetics (formerly Invitae), Labcorp
Classification: Pathogenic. Last evaluated: 2024-01-21. Review status: criteria provided, single submitter. Criteria: Invitae Variant Classification Sherloc (09022015). Collection method: clinical testing. Allele origin: germline.
Comment: This sequence change replaces alanine, which is neutral and non-polar, with threonine, which is neutral and polar, at codon 397 of the MYO7A protein (p.Ala397Thr). The frequency data for this variant in the population databases is considered unreliable, as metrics indicate poor data quality at this position in the gnomAD database. This missense change has been observed in individuals with clinical features of Usher syndrome (PMID: 23591405, 28944237; Invitae). ClinVar contains an entry for this variant (Variation ID: 554214). Advanced modeling of protein sequence and biophysical properties (such as structural, functional, and spatial information, amino acid conservation, physicochemical variation, residue mobility, and thermodynamic stability) performed at Invitae indicates that this missense variant is expected to disrupt MYO7A protein function with a positive predictive value of 95%. This variant disrupts the p.Ala397 amino acid residue in MYO7A. Other variant(s) that disrupt this residue have been determined to be pathogenic (PMID: 9382091, 18700726, 20497194). This suggests that this residue is clinically significant, and that variants that disrupt this residue are likely to be disease-causing. For these reasons, this variant has been classified as Pathogenic.

Revvity Omics, Revvity
Classification: Likely pathogenic. Last evaluated: 2022-11-21. Review status: criteria provided, single submitter. Criteria: ACMG Guidelines, 2015. Collection method: clinical testing. Allele origin: germline.

Blueprint Genetics
Classification: Pathogenic for MYO7A-related disorders. Last evaluated: 2022-09-06. Review status: criteria provided, single submitter. Criteria: ACMG Guidelines, 2015. Collection method: clinical testing. Allele origin: germline. Affected: yes. Observed: 2 variant alleles.

Juno Genomics, Hangzhou Juno Genomics, Inc
Classification: Pathogenic for Usher syndrome type 1. Review status: criteria provided, single submitter. Criteria: ACMG Guidelines, 2015. Collection method: clinical testing. Allele origin: germline. Affected: yes.
Comment: Absent from controls (or at extremely low frequency if recessive) in Genome Aggregation Database, Exome Sequencing Project, 1000 Genomes Project, or Exome Aggregation Consortium.;Multiple lines of computational evidence support a deleterious effect on the gene or gene product (conservation, evolutionary, splicing impact, etc).;For recessive disorders, detected in trans with a pathogenic variant.;Co-segregation with disease in multiple affected family members in a gene definitively known to cause the disease.;Patient's phenotype or family history is highly specific for a disease with a single genetic etiology.;Novel missense change at an amino acid residue where a different missense change determined to be pathogenic has been seen before.

Counsyl
Classification: Uncertain significance for Usher syndrome type 1; Autosomal recessive nonsyndromic hearing loss 2. Last evaluated: 2017-09-29. Review status: flagged submission. Collection method: clinical testing. Allele origin: unknown. Not counted in ClinVar's aggregate classification.
ClinVar note: Reason: Older and outlier claim with insufficient supporting evidence

Literature cited by the submitters: PubMed 32531858 (cited by Natera, Inc.); PubMed 33089500 (cited by Natera, Inc.); PubMed 28944237 (cited by Natera, Inc. and Labcorp Genetics (formerly Invitae), Labcorp); PubMed 23591405 (cited by Labcorp Genetics (formerly Invitae), Labcorp and Counsyl); PubMed 9382091 (cited by Labcorp Genetics (formerly Invitae), Labcorp); PubMed 18700726 (cited by Labcorp Genetics (formerly Invitae), Labcorp); PubMed 20497194 (cited by Labcorp Genetics (formerly Invitae), Labcorp); PubMed 20613545 (cited by Counsyl).